The following is an entry in ClinVar:

ClinVar aggregate classification (germline): Uncertain significance (1 of 4 stars; one submission).

Conditions:
Familial thoracic aortic aneurysm and aortic dissection (TAAD). Also called: Thoracic aortic aneurysms and dissections. Identifiers: Orphanet 91387, MedGen C4707243, MONDO:0019625.

Submission:

Labcorp Genetics (formerly Invitae), Labcorp
Classification: Uncertain significance for Familial thoracic aortic aneurysm and aortic dissection. Last evaluated: 2019-04-29. Review status: criteria provided, single submitter. Criteria: Invitae Variant Classification Sherloc (09022015). Collection method: clinical testing. Allele origin: germline.
Comment: This sequence change replaces threonine with arginine at codon 50 of the TGFBR1 protein (p.Thr50Arg). The threonine residue is highly conserved and there is a moderate physicochemical difference between threonine and arginine. This variant is not present in population databases (ExAC no frequency). This variant has not been reported in the literature in individuals with TGFBR1-related conditions. Algorithms developed to predict the effect of missense changes on protein structure and function are either unavailable or do not agree on the potential impact of this missense change (SIFT: "Deleterious"; PolyPhen-2: "Probably Damaging"; Align-GVGD: "Class C0"). In summary, the available evidence is currently insufficient to determine the role of this variant in disease. Therefore, it has been classified as a Variant of Uncertain Significance.

NM_004612.4(TGFBR1):c.149C>G (p.Thr50Arg)

Gene: TGFBR1 (transforming growth factor beta receptor 1; plus strand). Cytogenetic location: 9q22.33.
Variant type: single nucleotide variant.
Coding change: c.149C>G on transcript NM_004612.4 (MANE Select); coding-DNA position 149, C replaced by G.
Protein change: p.Thr50Arg; replaces threonine 50 with arginine.
Molecular consequence: missense variant.
Genome position (GRCh38, 1-based): chr9:99,128,906, C>G. VCF-style: chr9-99128906-C-G. GRCh37 (hg19) VCF-style: chr9-101891188-C-G.
Other names: c.149C>G, p.Thr50Arg (NM_001130916.3, NM_001306210.2); short protein forms T50R.
Identifiers: ClinVar variation 648695 (VCV000648695.11), dbSNP rs1588576221, ClinGen allele CA374225208.
Genomic context (GRCh38, chr9:99,128,906, plus strand): 5'-TTTTTCCAGCGTTACAGTGTTTCTGCCACCTCTGTACAAAAGACAATTTTACTTGTGTGA[C>G]AGATGGGCTCTGCTTTGTCTCTGTCACAGAGACCACAGACAAAGTTATACACAACAGCAT-3'
Protein context (NP_004603.1, residues 40-60): LCTKDNFTCV[Thr50Arg]DGLCFVSVTE